The following is an entry in ClinVar:

NM_004937.3(CTNS):c.461+16G>A

Genes: CTNS (cystinosin, lysosomal cystine transporter; plus strand), CTNS-AS1 (CTNS antisense RNA 1; minus strand). Cytogenetic location: 17p13.2.
Variant type: single nucleotide variant.
Coding change: c.461+16G>A on transcript NM_004937.3 (MANE Select); 16 bases into the intron after coding-DNA position 461, G replaced by A.
Molecular consequence: intron variant.
Genome position (GRCh38, 1-based): chr17:3,655,368, G>A. VCF-style: chr17-3655368-G-A. GRCh37 (hg19) VCF-style: chr17-3558662-G-A.
Other names: c.461+16G>A (NM_001031681.3, NM_001374492.1); c.20+16G>A (NM_001374493.1, NM_001374495.1, NM_001374494.1 and 1 more transcripts).
Identifiers: ClinVar variation 977703 (VCV000977703.13), dbSNP rs201772152, ClinGen allele CA8291723.

ClinVar aggregate classification (germline): Benign/Likely benign. Review status: criteria provided, multiple submitters, no conflicts (2 of 4 stars). 3 submissions from 3 submitters: Benign (2); Likely benign (1). Last evaluated 2026-01-28.

Conditions:
Ocular cystinosis. Also called: Non-Nephropathic (Ocular) Cystinosis; Non-Nephropathic Cystinosis. Identifiers: Orphanet 213, Orphanet 411641, MedGen C2931013, MONDO:0009064, OMIM 219750.
Juvenile nephropathic cystinosis. Also called: Later-Onset (Juvenile) Cystinosis; Intermediate Cystinosis; CYSTINOSIS, LATE-ONSET JUVENILE OR ADOLESCENT NEPHROPATHIC TYPE. Identifiers: Orphanet 213, Orphanet 411634, MedGen C0268626, MONDO:0009066, OMIM 219900.
Inborn genetic diseases. Identifiers: MedGen C0950123, MeSH D030342.

Allele frequency attached by ClinVar (database versions not stated): gnomAD 0.00008 and 0.00025; TOPMed 0.00014; ESP Exome Variant Server 0.00015; gnomAD exomes 0.00106; ExAC 0.00112; 1000 Genomes Project 0.00140; 1000 Genomes Project 30x 0.00141.
gnomAD v4.1: 822 of 1,613,716 alleles (0.051%); highest among the groups gnomAD compares: South Asian, 0.67%; 7 homozygotes.

Submissions (3):

Labcorp Genetics (formerly Invitae), Labcorp
Classification: Benign for Inborn genetic diseases; Ocular cystinosis; Juvenile nephropathic cystinosis. Last evaluated: 2026-01-28. Review status: criteria provided, single submitter. Criteria: Invitae Variant Classification Sherloc (09022015). Collection method: clinical testing. Allele origin: germline.

Blueprint Genetics
Classification: Likely benign. Last evaluated: 2024-11-22. Review status: criteria provided, single submitter. Criteria: ACMG Guidelines, 2015. Collection method: clinical testing. Allele origin: germline.

Women's Health and Genetics/Laboratory Corporation of America, LabCorp
Classification: Benign. Last evaluated: 2020-08-03. Review status: criteria provided, single submitter. Criteria: LabCorp Variant Classification Summary - May 2015. Collection method: clinical testing. Allele origin: germline.
Comment: Variant summary: CTNS c.461+16G>A alters a non-conserved nucleotide located close to a canonical splice site and therefore could affect mRNA splicing, leading to a significantly altered protein sequence. 4/4 computational tools predict no significant impact on normal splicing. However, these predictions have yet to be confirmed by functional studies. The variant allele was found at a frequency of 0.0011 in 251412 control chromosomes, predominantly at a frequency of 0.007 within the South Asian subpopulation in the gnomAD database, including 1 homozygote. The observed variant frequency within South Asian control individuals in the gnomAD database is approximately 3 fold of the estimated maximal expected allele frequency for a pathogenic variant in CTNS causing Cystinosis phenotype (0.0025), strongly suggesting that the variant is a benign polymorphism found primarily in populations of South Asian origin. To our knowledge, no occurrence of c.461+16G>A in individuals affected with Cystinosis and no experimental evidence demonstrating its impact on protein function have been reported. No clinical diagnostic laboratories have submitted clinical-significance assessments for this variant to ClinVar after 2014. Based on the evidence outlined above, the variant was classified as benign.